The following continues an entry in ClinVar:

NM_000051.4(ATM):c.8395_8404del (p.Phe2799fs)

ClinVar aggregate classification (germline): Pathogenic. Pathogenic (1).

Submissions 9 to 25 of 30:

CeGaT Center for Human Genetics Tuebingen
Classification: Pathogenic. Last evaluated: 2025-08-01. Review status: criteria provided, single submitter. Criteria: CeGaT Center For Human Genetics Tuebingen Variant Classification Criteria Version 2. Collection method: clinical testing. Allele origin: germline. Affected: yes. Observed: 7 variant alleles. Not counted in ClinVar's aggregate classification.
Comment: ATM: PVS1, PM3:Strong, PM2

GeneKor MSA
Classification: Pathogenic for Hereditary cancer-predisposing syndrome. Last evaluated: 2025-05-15. Review status: criteria provided, single submitter. Criteria: ACMG Guidelines, 2015. Collection method: clinical testing. Allele origin: germline. Affected: yes. Not counted in ClinVar's aggregate classification.
Comment: This is a ten-nucleotide deletion in exon 57 of the ATM mRNA c.(8395_8404del), causing a frameshift after codon 2799. This creates a premature translational stop signal 4 amino acid residues later p.(Phe2799Lysfs*4) and is expected to result in an absent or disrupted protein product. Loss-of-function variants in ATM are known to be pathogenic (PMID:23807571, 25614872). This variant is present in population databases (rs761367329). This premature translational stop signal has been observed in multiple individuals with ataxia-telangiectasia (PMID:9792409, 9887333, 10817650, 12815592, 21833744, 25980754, 27978560) and in individuals with breast, prostate, pancreatic and colon cancer (PMID:33919281, 35892882, 28767289, 27978560). This variation has been described in mutation database ClinVar (VCV000186242.94). This alteration is also known as 8395del10. Based on the classification criteria set by the ACMG and AMP (PMID:25741868) this variant has been classified as pathogenic.

Color Diagnostics, LLC DBA Color Health
Classification: Pathogenic for Hereditary cancer-predisposing syndrome. Last evaluated: 2025-03-17. Review status: criteria provided, single submitter. Criteria: ACMG Guidelines, 2015. Collection method: clinical testing. Allele origin: germline. Not counted in ClinVar's aggregate classification.
Comment: This variant deletes 10 nucleotides in exon 57 of the ATM gene, creating a frameshift and premature translation stop signal. This variant is expected to result in an absent or non-functional protein product. This variant has been reported in individuals affected with ataxia telangiectasia (PMID: 10817650, 12815592, 21665257, 21833744). This variant has also been reported in individuals affected with Lynch syndrome-associated cancer and/or polyps (PMID: 25980754, 27978560) and pancreatic cancer (PMID: 28767289, 35892882). This variant has been identified in 5/251232 chromosomes in the general population by the Genome Aggregation Database (gnomAD). Loss of ATM function is a known mechanism of disease. Based on the available evidence, this variant is classified as Pathogenic.

Center for Genomic Medicine, Rigshospitalet, Copenhagen University Hospital
Classification: Pathogenic. Last evaluated: 2025-03-04. Review status: criteria provided, single submitter. Criteria: ACMG Guidelines, 2015. Collection method: clinical testing. Allele origin: germline. Not counted in ClinVar's aggregate classification.

Mayo Clinic Laboratories, Mayo Clinic
Classification: Pathogenic. Last evaluated: 2024-12-22. Review status: criteria provided, single submitter. Criteria: ACMG Guidelines, 2015. Collection method: clinical testing. Allele origin: germline. Observed: 2 variant alleles. Not counted in ClinVar's aggregate classification.
Comment: PM2_supporting, PM3, PVS1

Ambry Genetics
Classification: Pathogenic for Hereditary cancer-predisposing syndrome. Last evaluated: 2024-05-28. Review status: criteria provided, single submitter. Criteria: Ambry Variant Classification Scheme 2023. Collection method: clinical testing. Allele origin: germline. Not counted in ClinVar's aggregate classification.
Comment: The c.8395_8404del10 pathogenic mutation, located in coding exon 56 of the ATM gene, results from a deletion of 10 nucleotides at nucleotide positions 8395 to 8404, causing a translational frameshift with a predicted alternate stop codon (p.F2799Kfs*4). Of note, this alteration is also designated as 8385del10 in published literature. In addition to the clinical data presented in the literature, this alteration is expected to result in loss of function by premature protein truncation or nonsense-mediated mRNA decay. As such, this alteration is interpreted as a disease-causing mutation.

Fulgent Genetics
Classification: Pathogenic for Familial cancer of breast; Ataxia-telangiectasia syndrome. Last evaluated: 2024-03-09. Review status: criteria provided, single submitter. Criteria: ACMG Guidelines, 2015. Collection method: clinical testing. Allele origin: germline. Not counted in ClinVar's aggregate classification.

Baylor Genetics
Classification: Pathogenic for Familial cancer of breast. Last evaluated: 2024-02-27. Review status: criteria provided, single submitter. Criteria: ACMG Guidelines, 2015. Collection method: clinical testing. Allele origin: unknown. Not counted in ClinVar's aggregate classification.

Myriad Genetics, Inc.
Classification: Pathogenic for Familial cancer of breast. Last evaluated: 2024-02-02. Review status: criteria provided, single submitter. Criteria: Myriad Autosomal Dominant, Autosomal Recessive and X-Linked Classification Criteria (2023). Collection method: clinical testing. Allele origin: unknown. Not counted in ClinVar's aggregate classification.
Comment: This variant is considered pathogenic. This variant creates a frameshift predicted to result in premature protein truncation.

Greenwood Genetic Center Diagnostic Laboratories, Greenwood Genetic Center
Classification: Pathogenic for Familial cancer of breast. Last evaluated: 2022-03-21. Review status: criteria provided, single submitter. Criteria: ACMG Guidelines, 2015. Collection method: clinical testing. Allele origin: germline. Not counted in ClinVar's aggregate classification.
Comment: PVS1, PM2, PM3

Department of Pathology and Laboratory Medicine, Sinai Health System
Classification: Pathogenic for ATM-related cancer predisposition. Last evaluated: 2021-09-28. Review status: criteria provided, single submitter. Criteria: ACMG Guidelines, 2015. Collection method: clinical testing. Allele origin: germline. Affected: yes. Not counted in ClinVar's aggregate classification.

Institute of Human Genetics, Heidelberg University
Classification: Pathogenic for Familial cancer of breast. Last evaluated: 2021-05-04. Review status: criteria provided, single submitter. Criteria: ACMG Guidelines, 2015. Collection method: clinical testing. Allele origin: maternal. Not counted in ClinVar's aggregate classification.
Comment: secondary finding

Sema4
Classification: Pathogenic for Hereditary cancer-predisposing syndrome. Last evaluated: 2021-01-26. Review status: criteria provided, single submitter. Criteria: Sema4 Curation Guidelines. Collection method: curation. Allele origin: germline. Not counted in ClinVar's aggregate classification.
Comment: The ATM c.8395_8404del (p.F2799KfsX4) variant has been reported as homozygous and compound heterozygous in at least 2 individuals with ataxia telangiectasia (PMID: 9792409, 18718650). It has also been reported in heterozygosity in at least 3 individuals with ovarian or pancreatic cancer (PMID: 28767289, 30322717). This variant causes a frameshift at amino acid 2799 that results in premature termination 4 amino acids downstream. At this location, this is predicted to cause nonsense-mediated decay and result in an absent protein (loss of function). This variant was observed in 1/30616 in the South Asian population and in 3/113580 in the European (non-Finnish) population, according to the Genome Aggregation Database (PMID: 32461654). Based on the current evidence available, this variant is interpreted as pathogenic.

Institute of Medical Genetics and Applied Genomics, University Hospital Tübingen
Classification: Pathogenic. Last evaluated: 2020-10-23. Review status: criteria provided, single submitter. Criteria: ACMG Guidelines, 2015. Collection method: clinical testing. Allele origin: germline. Inheritance: Unknown mechanism. Affected: yes. Not counted in ClinVar's aggregate classification.

Women's Health and Genetics/Laboratory Corporation of America, LabCorp
Classification: Pathogenic for Ataxia-telangiectasia syndrome. Last evaluated: 2020-02-10. Review status: criteria provided, single submitter. Criteria: LabCorp Variant Classification Summary - May 2015. Collection method: clinical testing. Allele origin: germline. Not counted in ClinVar's aggregate classification.
Comment: Variant summary: ATM c.8395_8404del10 (p.Phe2799LysfsX4) results in a premature termination codon, predicted to cause a truncation of the encoded protein or absence of the protein due to nonsense mediated decay, which are commonly known mechanisms for disease. Truncations downstream of this position have been classified as pathogenic by our laboratory. The variant allele was found at a frequency of 2e-05 in 251232 control chromosomes (gnomAD). c.8395_8404del10 has been reported in the literature in homozygous and compound heterozygous individuals affected with Ataxia-Telangiectasia (e.g. Nahas_2009, Mitui_2003, Soukupova_2011). These data indicate that the variant is likely to be associated with disease. At least one publication reports experimental evidence evaluating an impact on protein function, and demonstrated the most pronounced variant effect results in <10% of normal phosphorylation activity (Nahas_2009). Five clinical diagnostic laboratories have submitted clinical-significance assessments for this variant to ClinVar after 2014 without evidence for independent evaluation. All laboratories classified the variant as pathogenic (4x) or likely pathogenic (1x). Based on the evidence outlined above, the variant was classified as pathogenic.

Baylor Genetics
Classification: Pathogenic for Ataxia-telangiectasia syndrome. Review status: criteria provided, single submitter. Criteria: ACMG Guidelines, 2015. Collection method: clinical testing. Allele origin: germline. Not counted in ClinVar's aggregate classification.

Genesis Genomics
Classification: Pathogenic for Familial cancer of breast. Review status: criteria provided, single submitter. Criteria: ACMG Guidelines, 2015. Collection method: clinical testing. Allele origin: germline. Affected: yes. Observed: 1 variant allele. Not counted in ClinVar's aggregate classification.